The following is an entry in ClinVar:

NM_177438.3(DICER1):c.5630A>G (p.Lys1877Arg)

Gene: DICER1 (dicer 1, ribonuclease III; minus strand). Cytogenetic location: 14q32.13.
Variant type: single nucleotide variant.
Coding change: c.5630A>G on transcript NM_177438.3 (MANE Select); coding-DNA position 5630, A replaced by G.
Protein change: p.Lys1877Arg; replaces lysine 1877 with arginine.
Molecular consequence: missense variant. On other transcripts: non-coding transcript variant (6).
Genome position (GRCh38, 1-based): chr14:95,090,637, T>C on the plus strand (A>G on the coding strand, the complement: DICER1 is on the minus strand). VCF-style: chr14-95090637-T-C. GRCh37 (hg19) VCF-style: chr14-95556974-T-C.
Other names: c.5467A>G, p.Arg1823Gly (NM_001195573.1); c.5630A>G, p.Lys1877Arg (NM_001271282.3, NM_001291628.2, NM_001395677.1 and 8 more transcripts); c.5348A>G, p.Lys1783Arg (NM_001395686.1); c.5225A>G, p.Lys1742Arg (NM_001395687.1, NM_001395688.1, NM_001395689.1 and 1 more transcripts); c.5063A>G, p.Lys1688Arg (NM_001395691.1); c.3947A>G, p.Lys1316Arg (NM_001395697.1); short protein forms K1316R, K1688R, K1742R, K1783R, K1877R, R1823G.
Identifiers: ClinVar variation 1718637 (VCV001718637.6), dbSNP rs2542391861, ClinGen allele CA390863649.

ClinVar aggregate classification (germline): Uncertain significance (1 of 4 stars; one submission).

Conditions:
DICER1-related tumor predisposition. Also called: DICER1 syndrome; DICER1-related pleuropulmonary blastoma cancer predisposition syndrome. Identifiers: Orphanet 284343, MedGen C3839822, MONDO:0100216.

Submission:

Labcorp Genetics (formerly Invitae), Labcorp
Classification: Uncertain significance for DICER1-related tumor predisposition. Last evaluated: 2022-09-02. Review status: criteria provided, single submitter. Criteria: Invitae Variant Classification Sherloc (09022015). Collection method: clinical testing. Allele origin: germline.
Comment: This variant is not present in population databases (gnomAD no frequency). In summary, the available evidence is currently insufficient to determine the role of this variant in disease. Therefore, it has been classified as a Variant of Uncertain Significance. Algorithms developed to predict the effect of missense changes on protein structure and function (SIFT, PolyPhen-2, Align-GVGD) all suggest that this variant is likely to be tolerated. This variant has not been reported in the literature in individuals affected with DICER1-related conditions. This sequence change replaces lysine, which is basic and polar, with arginine, which is basic and polar, at codon 1877 of the DICER1 protein (p.Lys1877Arg).